The following is an entry in ClinVar:

NM_004453.4(ETFDH):c.1631dup (p.Pro545fs)

Gene: ETFDH (electron transfer flavoprotein dehydrogenase; plus strand). Cytogenetic location: 4q32.1.
Variant type: Duplication.
Coding change: c.1631dup on transcript NM_004453.4 (MANE Select); coding-DNA position 1631, one base duplicated (T; older notation c.1631dupT).
Protein change: p.Pro545fs; shifts the reading frame from proline 545.
Molecular consequence: frameshift variant.
Genome position (GRCh38, 1-based): chr4:158,706,791, T duplicated. VCF-style (leftmost placement, unchanged base first): chr4-158706790-A-AT. GRCh37 (hg19) VCF-style: chr4-159627942-A-AT.
Other names: c.1490dup, p.Pro498fs (NM_001281737.2); c.1448dup, p.Pro484fs (NM_001281738.1); c.1631dup (NM_004453.3); short protein forms P484fs, P498fs, P545fs.
Identifiers: ClinVar variation 1322835 (VCV001322835.10), dbSNP rs771393519, ClinGen allele CA501188.
Genomic context (GRCh38, chr4:158,706,790, plus strand): 5'-CTGAGTGGTACTAATCATGAACATGACCAGCCGGCACACTTAACCTTAAGGGATGACAGT[A>AT]TACCTGTAAATAGAAATCTGTCGATATATGATGGGCCCGAGCAGCGATTCTGTCCTGCAG-3'

ClinVar aggregate classification (germline): Pathogenic/Likely pathogenic. Review status: criteria provided, multiple submitters, no conflicts (2 of 4 stars). 4 submissions from 4 submitters: Pathogenic (1); Likely pathogenic (3). Last evaluated 2025-09-02.

Conditions:
ETFDH-related disorder. Also called: ETFDH-related condition.
Glutaric acidemia type 2C.
Multiple acyl-CoA dehydrogenase deficiency (MADD). Also called: Glutaric aciduria, type 2; Glutaric acidemia type II; GA 2; GA II; Glutaric Acidemia type 2; ETHYLMALONIC-ADIPICACIDURIA. Identifiers: Orphanet 26791, MedGen C0268596, MONDO:0009282, OMIM 231680.

Allele frequency attached by ClinVar (database versions not stated): gnomAD exomes below 0.00001; ExAC 0.00001.

Submissions (4):

Natera, Inc.
Classification: Likely pathogenic for Glutaric acidemia type 2C. Last evaluated: 2025-09-02. Review status: criteria provided, single submitter. Criteria: Natera Variant Classification Schema (03/2026). Collection method: clinical testing. Allele origin: germline.
Comment: The c.1631dup variant in ETFDH is a frameshift variant predicted to shift the reading frame beginning at codon 545 and leads to a stop codon 4 codons downstream. This variant is expected to result in nonsense mediated decay, truncation, or a dysfunctional protein product. This variant is rare in the general population with a frequency below the threshold expected for the associated phenotype(s). Given the available evidence, this variant is classified as Likely Pathogenic.

Baylor Genetics
Classification: Likely pathogenic for Multiple acyl-CoA dehydrogenase deficiency. Last evaluated: 2023-10-06. Review status: criteria provided, single submitter. Criteria: ACMG Guidelines, 2015. Collection method: clinical testing. Allele origin: unknown.

Labcorp Genetics (formerly Invitae), Labcorp
Classification: Pathogenic for Multiple acyl-CoA dehydrogenase deficiency. Last evaluated: 2021-12-22. Review status: criteria provided, single submitter. Criteria: Invitae Variant Classification Sherloc (09022015). Collection method: clinical testing. Allele origin: germline.
Comment: This sequence change creates a premature translational stop signal (p.Pro545Thrfs*4) in the ETFDH gene. While this is not anticipated to result in nonsense mediated decay, it is expected to disrupt the last 73 amino acid(s) of the ETFDH protein. This variant is present in population databases (rs771393519, gnomAD 0.003%). This variant has not been reported in the literature in individuals affected with ETFDH-related conditions. ClinVar contains an entry for this variant (Variation ID: 1322835). This variant disrupts a region of the ETFDH protein in which other variant(s) (p.Trp603*) have been determined to be pathogenic (Invitae). This suggests that this is a clinically significant region of the protein, and that variants that disrupt it are likely to be disease-causing. For these reasons, this variant has been classified as Pathogenic.

Blueprint Genetics
Classification: Likely pathogenic for ETFDH-related disorders. Last evaluated: 2021-08-19. Review status: criteria provided, single submitter. Criteria: ACMG Guidelines, 2015. Collection method: clinical testing. Allele origin: germline. Affected: yes. Observed: 1 variant allele.